The following is an entry in ClinVar:

ClinVar aggregate classification (germline): Uncertain significance (1 of 4 stars; one submission).

Submission:

GeneDx
Classification: Uncertain significance. Last evaluated: 2024-04-01. Review status: criteria provided, single submitter. Criteria: GeneDx Variant Classification Process June 2021. Collection method: clinical testing. Allele origin: germline. Affected: yes.
Comment: Not observed at significant frequency in large population cohorts (gnomAD); Canonical splice site variant in a gene for which loss-of-function is not an established mechanism of disease; Has not been previously published as pathogenic or benign to our knowledge

NM_000142.5(FGFR3):c.110-2A>G

Gene: FGFR3 (fibroblast growth factor receptor 3; plus strand). Cytogenetic location: 4p16.3.
Variant type: single nucleotide variant.
Coding change: c.110-2A>G on transcript NM_000142.5 (MANE Select); the canonical splice acceptor site of the intron before coding-DNA position 110, A replaced by G.
Molecular consequence: splice acceptor variant.
Genome position (GRCh38, 1-based): chr4:1,799,252, A>G. VCF-style: chr4-1799252-A-G. GRCh37 (hg19) VCF-style: chr4-1800979-A-G.
Other names: c.110-2A>G (NM_001163213.2, NM_001354809.2, NM_001354810.2 and 1 more transcripts).
Identifiers: ClinVar variation 3371933 (VCV003371933.1).